The following is an entry in ClinVar:

ClinVar aggregate classification (germline): Uncertain significance (1 of 4 stars; one submission).

Submission:

Ambry Genetics
Classification: Uncertain significance. Last evaluated: 2024-02-11. Review status: criteria provided, single submitter. Criteria: Ambry Variant Classification Scheme 2023. Collection method: clinical testing. Allele origin: germline.
Comment: The p.K1577R variant (also known as c.4730A>G), located in coding exon 4 of the ALPK2 gene, results from an A to G substitution at nucleotide position 4730. The lysine at codon 1577 is replaced by arginine, an amino acid with highly similar properties. This amino acid position is conserved. In addition, this alteration is predicted to be tolerated by in silico analysis. Based on the available evidence, the clinical significance of this alteration remains unclear.

NM_052947.4(ALPK2):c.4730A>G (p.Lys1577Arg)

Genes: ALPK2 (alpha kinase 2; minus strand), LOC126862764 (BRD4-independent group 4 enhancer GRCh37_chr18:56202574-56203773; plus strand). Cytogenetic location: 18q21.31.
Variant type: single nucleotide variant.
Coding change: c.4730A>G on transcript NM_052947.4 (MANE Select); coding-DNA position 4730, A replaced by G.
Protein change: p.Lys1577Arg; replaces lysine 1577 with arginine.
Molecular consequence: missense variant.
Genome position (GRCh38, 1-based): chr18:58,535,457, T>C on the plus strand (A>G on the coding strand, the complement: ALPK2 is on the minus strand). VCF-style: chr18-58535457-T-C. GRCh37 (hg19) VCF-style: chr18-56202689-T-C.
Other names: short protein forms K1577R.
Identifiers: ClinVar variation 3228764 (VCV003228764.1), dbSNP rs2518874172, ClinGen allele CA402560140.